The following is an entry in ClinVar:

NM_000548.5(TSC2):c.261T>A (p.Asp87Glu)

Gene: TSC2 (TSC complex subunit 2; plus strand). Cytogenetic location: 16p13.3.
Variant type: single nucleotide variant.
Coding change: c.261T>A on transcript NM_000548.5 (MANE Select); coding-DNA position 261, T replaced by A.
Protein change: p.Asp87Glu; replaces aspartic acid 87 with glutamic acid.
Molecular consequence: missense variant. On other transcripts: intron variant (2).
Genome position (GRCh38, 1-based): chr16:2,053,377, T>A. VCF-style: chr16-2053377-T-A. GRCh37 (hg19) VCF-style: chr16-2103378-T-A.
Other names: c.261T>A, p.Asp87Glu (NM_001077183.3, NM_001114382.3, NM_001363528.2 and 3 more transcripts); c.114T>A, p.Asp38Glu (NM_001318829.2); c.294T>A, p.Asp98Glu (NM_001318832.2); c.226-919T>A (NM_001318827.2); c.-1-2819T>A (NM_001318831.2); short protein forms D98E, D38E, D87E.
Identifiers: ClinVar variation 861838 (VCV000861838.12), dbSNP rs1555496967, ClinGen allele CA394305593.
Genomic context (GRCh38, chr16:2,053,377, plus strand): 5'-CCGCTGTCCCCTCTGCTGGTGACAGCACGCAGTGGAAGCACTCTGGAAGGCGGTCGCGGA[T>A]CTGTTGCAGCCGGAGCGGCCGCTGGAGGCCCGGCACGCGGTGCTGGCTCTGCTGAAGGCC-3'
Protein context (NP_000539.2, residues 77-97): AVEALWKAVA[Asp87Glu]LLQPERPLEA

ClinVar aggregate classification (germline): Uncertain significance. Review status: criteria provided, multiple submitters, no conflicts (2 of 4 stars). 3 submissions from 3 submitters: Uncertain significance (3). Last evaluated 2025-08-24.

Conditions:
Tuberous sclerosis syndrome (TSC). Also called: Tuberous Sclerosis Complex; Tuberous sclerosis. Identifiers: Orphanet 805, MedGen C0041341, MONDO:0001734.
Hereditary cancer-predisposing syndrome. Also called: Hereditary neoplastic syndrome; Tumor predisposition; Neoplastic Syndromes, Hereditary; Hereditary Cancer Syndrome. Identifiers: Orphanet 140162, MedGen C0027672, MeSH D009386, MONDO:0015356.
Tuberous sclerosis 2 (TSC2). Identifiers: Orphanet 805, MedGen C1860707, MONDO:0013199, OMIM 613254.

Submissions (3):

Color Diagnostics, LLC DBA Color Health
Classification: Uncertain significance for Tuberous sclerosis syndrome. Last evaluated: 2025-08-24. Review status: criteria provided, single submitter. Criteria: ACMG Guidelines, 2015. Collection method: clinical testing. Allele origin: germline.
Comment: This missense variant replaces aspartic acid with glutamic acid at codon 87 of the TSC2 protein. Computational prediction is inconclusive regarding the impact of this variant on protein structure and function. To our knowledge, functional studies have not been reported for this variant. This variant has not been reported in individuals affected with TSC2-related disorders in the literature. This variant has not been identified in the general population by the Genome Aggregation Database (gnomAD). The available evidence is insufficient to determine the role of this variant in disease conclusively. Therefore, this variant is classified as a Variant of Uncertain Significance.

Labcorp Genetics (formerly Invitae), Labcorp
Classification: Uncertain significance for Tuberous sclerosis 2. Last evaluated: 2024-08-28. Review status: criteria provided, single submitter. Criteria: Invitae Variant Classification Sherloc (09022015). Collection method: clinical testing. Allele origin: germline.
Comment: This sequence change replaces aspartic acid, which is acidic and polar, with glutamic acid, which is acidic and polar, at codon 87 of the TSC2 protein (p.Asp87Glu). This variant is not present in population databases (gnomAD no frequency). This variant has not been reported in the literature in individuals affected with TSC2-related conditions. ClinVar contains an entry for this variant (Variation ID: 861838). Invitae Evidence Modeling of protein sequence and biophysical properties (such as structural, functional, and spatial information, amino acid conservation, physicochemical variation, residue mobility, and thermodynamic stability) indicates that this missense variant is not expected to disrupt TSC2 protein function with a negative predictive value of 95%. In summary, the available evidence is currently insufficient to determine the role of this variant in disease. Therefore, it has been classified as a Variant of Uncertain Significance.

Ambry Genetics
Classification: Uncertain significance for Hereditary cancer-predisposing syndrome. Last evaluated: 2022-10-27. Review status: criteria provided, single submitter. Criteria: Ambry Variant Classification Scheme 2023. Collection method: clinical testing. Allele origin: germline.
Comment: The p.D87E variant (also known as c.261T>A), located in coding exon 3 of the TSC2 gene, results from a T to A substitution at nucleotide position 261. The aspartic acid at codon 87 is replaced by glutamic acid, an amino acid with highly similar properties. This amino acid position is conserved. In addition, this alteration is predicted to be deleterious by in silico analysis. Since supporting evidence is limited at this time, the clinical significance of this alteration remains unclear.